The following is an entry in ClinVar:

ClinVar aggregate classification (germline): Uncertain significance (1 of 4 stars; one submission).

gnomAD v4.1: 1 of 1,614,102 alleles (0.000062%); highest among the groups gnomAD compares: Non-Finnish European, 0.000085%; no homozygotes.

Submission:

CeGaT Center for Human Genetics Tuebingen
Classification: Uncertain significance. Last evaluated: 2024-11-01. Review status: criteria provided, single submitter. Criteria: CeGaT Center For Human Genetics Tuebingen Variant Classification Criteria Version 2. Collection method: clinical testing. Allele origin: germline. Affected: yes. Observed: 1 variant allele.
Comment: KIF23: PM2, PP3

NM_001367805.3(KIF23):c.1279G>A (p.Val427Met)

Gene: KIF23 (kinesin family member 23; plus strand). Cytogenetic location: 15q23.
Variant type: single nucleotide variant.
Coding change: c.1279G>A on transcript NM_001367805.3 (MANE Select); coding-DNA position 1279, G replaced by A.
Protein change: p.Val427Met; replaces valine 427 with methionine.
Molecular consequence: missense variant. On other transcripts: non-coding transcript variant (2).
Genome position (GRCh38, 1-based): chr15:69,435,736, G>A. VCF-style: chr15-69435736-G-A. GRCh37 (hg19) VCF-style: chr15-69728075-G-A.
Other names: c.907G>A, p.Val303Met (NM_001281301.2); c.1237G>A, p.Val413Met (NM_001367804.2, NM_004856.7, NM_138555.4); short protein forms V303M, V413M, V427M.
Identifiers: ClinVar variation 3389480 (VCV003389480.14).